The following is an entry in ClinVar:

ClinVar aggregate classification (germline): Uncertain significance (1 of 4 stars; one submission).

Submission:

Ambry Genetics
Classification: Uncertain significance. Last evaluated: 2024-10-01. Review status: criteria provided, single submitter. Criteria: Ambry Variant Classification Scheme 2023. Collection method: clinical testing. Allele origin: germline.
Comment: The p.C1450Y variant (also known as c.4349G>A), located in coding exon 12 of the MLH3 gene, results from a G to A substitution at nucleotide position 4349. The cysteine at codon 1450 is replaced by tyrosine, an amino acid with highly dissimilar properties. This amino acid position is conserved. In addition, the in silico prediction for this alteration is inconclusive. Based on the available evidence, the clinical significance of this variant remains unclear.

NM_001040108.2(MLH3):c.4349G>A (p.Cys1450Tyr)

Gene: MLH3 (mutL homolog 3; minus strand). Cytogenetic location: 14q24.3.
Variant type: single nucleotide variant.
Coding change: c.4349G>A on transcript NM_001040108.2 (MANE Select); coding-DNA position 4349, G replaced by A.
Protein change: p.Cys1450Tyr; replaces cysteine 1450 with tyrosine.
Molecular consequence: missense variant.
Genome position (GRCh38, 1-based): chr14:75,017,095, C>T on the plus strand (G>A on the coding strand, the complement: MLH3 is on the minus strand). VCF-style: chr14-75017095-C-T. GRCh37 (hg19) VCF-style: chr14-75483798-C-T.
Other names: c.4277G>A, p.Cys1426Tyr (NM_014381.3); short protein forms C1426Y, C1450Y.
Identifiers: ClinVar variation 3396735 (VCV003396735.1).